The following is an entry in ClinVar:

NM_030665.4(RAI1):c.3730_3732dup (p.Arg1244_Ser1245insArg)

Gene: RAI1 (retinoic acid induced 1; plus strand). Cytogenetic location: 17p11.2.
Variant type: Duplication.
Coding change: c.3730_3732dup on transcript NM_030665.4 (MANE Select); coding-DNA positions 3730 to 3732, 3 bases duplicated (CGC; older notation c.3730_3732dupCGC).
Protein change: p.Arg1244_Ser1245insArg.
Molecular consequence: inframe insertion.
Genome position (GRCh38, 1-based): chr17:17,796,678-17,796,680, CGC duplicated; duplicating any 3 consecutive bases within chr17:17,796,676-17,796,680 gives the same sequence; the c. name uses the placement nearest the transcript's 3' end. VCF-style (leftmost placement, unchanged base first): chr17-17796675-A-AGCC. GRCh37 (hg19) VCF-style: chr17-17699989-A-AGCC.
Identifiers: ClinVar variation 2418088 (VCV002418088.6), dbSNP rs772190938, ClinGen allele CA8418802.

ClinVar aggregate classification (germline): Uncertain significance (1 of 4 stars; one submission).

Submission:

Labcorp Genetics (formerly Invitae), Labcorp
Classification: Uncertain significance. Last evaluated: 2025-07-18. Review status: criteria provided, single submitter. Criteria: Invitae Variant Classification Sherloc (09022015). Collection method: clinical testing. Allele origin: germline.
Comment: This variant, c.3730_3732dup, results in the insertion of 1 amino acid(s) of the RAI1 protein (p.Arg1244dup), but otherwise preserves the integrity of the reading frame. This variant is present in population databases (rs772190938, gnomAD 0.005%). This variant has not been reported in the literature in individuals affected with RAI1-related conditions. ClinVar contains an entry for this variant (Variation ID: 2418088). In summary, the available evidence is currently insufficient to determine the role of this variant in disease. Therefore, it has been classified as a Variant of Uncertain Significance.